The following is an entry in ClinVar:

NM_152722.5(HEPACAM):c.218G>A (p.Arg73Gln)

Gene: HEPACAM (hepatic and glial cell adhesion molecule; minus strand). Cytogenetic location: 11q24.2.
Variant type: single nucleotide variant.
Coding change: c.218G>A on transcript NM_152722.5 (MANE Select); coding-DNA position 218, G replaced by A.
Protein change: p.Arg73Gln; replaces arginine 73 with glutamine.
Molecular consequence: missense variant.
Genome position (GRCh38, 1-based): chr11:124,924,937, C>T on the plus strand (G>A on the coding strand, the complement: HEPACAM is on the minus strand). VCF-style: chr11-124924937-C-T. GRCh37 (hg19) VCF-style: chr11-124794833-C-T.
Other names: c.218G>A (NM_152722.4); short protein forms R73Q.
Identifiers: ClinVar variation 1471083 (VCV001471083.10), dbSNP rs375333616, ClinGen allele CA6345790.

ClinVar aggregate classification (germline): Uncertain significance. Review status: criteria provided, multiple submitters, no conflicts (2 of 4 stars). 3 submissions from 3 submitters: Uncertain significance (3). Last evaluated 2024-07-02.

Conditions:
Inborn genetic diseases. Identifiers: MedGen C0950123, MeSH D030342.

Allele frequency attached by ClinVar (database versions not stated): ExAC 0.00001; gnomAD 0.00001 and 0.00002; gnomAD exomes 0.00001 and 0.00003; TOPMed 0.00002; ESP Exome Variant Server 0.00008.

Submissions (3):

Blueprint Genetics
Classification: Uncertain significance. Last evaluated: 2024-07-02. Review status: criteria provided, single submitter. Criteria: ACMG Guidelines, 2015. Collection method: clinical testing. Allele origin: germline.

Ambry Genetics
Classification: Uncertain significance for Inborn genetic diseases. Last evaluated: 2024-03-12. Review status: criteria provided, single submitter. Criteria: Ambry Variant Classification Scheme 2023. Collection method: clinical testing. Allele origin: germline.

Labcorp Genetics (formerly Invitae), Labcorp
Classification: Uncertain significance. Last evaluated: 2021-12-02. Review status: criteria provided, single submitter. Criteria: Invitae Variant Classification Sherloc (09022015). Collection method: clinical testing. Allele origin: germline.
Comment: In summary, the available evidence is currently insufficient to determine the role of this variant in disease. Therefore, it has been classified as a Variant of Uncertain Significance. Algorithms developed to predict the effect of missense changes on protein structure and function (SIFT, PolyPhen-2, Align-GVGD) all suggest that this variant is likely to be disruptive. This variant has not been reported in the literature in individuals affected with HEPACAM-related conditions. This variant is present in population databases (rs375333616, gnomAD 0.01%). This sequence change replaces arginine, which is basic and polar, with glutamine, which is neutral and polar, at codon 73 of the HEPACAM protein (p.Arg73Gln).